The following is an entry in ClinVar:

ClinVar aggregate classification (germline): Likely benign. Review status: criteria provided, single submitter (1 of 4 stars). 2 submissions from 2 submitters: Likely benign (1). 1 of the submissions does not count toward it. Last evaluated 2023-11-06.

Conditions:
PIK3AP1-related disorder. Also called: PIK3AP1-related condition.
Infantile spasms. Also called: Infantile spasm. Identifiers: MedGen C3887898, HP:0012469.

Allele frequency attached by ClinVar (database versions not stated): gnomAD exomes 0.00003 and 0.00004; TOPMed 0.00003; gnomAD 0.00004 and 0.00005; ExAC 0.00005.
gnomAD v4.1: 48 of 1,611,804 alleles (0.003%); highest among the groups gnomAD compares: South Asian, 0.025%; no homozygotes.

Submissions (2):

Labcorp Genetics (formerly Invitae), Labcorp
Classification: Likely benign for Infantile spasms. Last evaluated: 2023-11-06. Review status: criteria provided, single submitter. Criteria: Invitae Variant Classification Sherloc (09022015). Collection method: clinical testing. Allele origin: germline.

PreventionGenetics, part of Exact Sciences
Classification: Likely benign for PIK3AP1-related condition. Last evaluated: 2019-02-24. Review status: no assertion criteria provided. Collection method: clinical testing. Allele origin: germline. Not counted in ClinVar's aggregate classification.
Comment: This variant is classified as likely benign based on ACMG/AMP sequence variant interpretation guidelines (Richards et al. 2015 PMID: 25741868, with internal and published modifications).

NM_152309.3(PIK3AP1):c.1710C>T (p.Tyr570=)

Gene: PIK3AP1 (phosphoinositide-3-kinase adaptor protein 1; minus strand). Cytogenetic location: 10q24.1.
Variant type: single nucleotide variant.
Coding change: c.1710C>T on transcript NM_152309.3 (MANE Select); coding-DNA position 1710, C replaced by T.
Protein change: p.Tyr570=; no amino-acid change (tyrosine 570 retained).
Molecular consequence: synonymous variant.
Genome position (GRCh38, 1-based): chr10:96,623,497, G>A on the plus strand (C>T on the coding strand, the complement: PIK3AP1 is on the minus strand). VCF-style: chr10-96623497-G-A. GRCh37 (hg19) VCF-style: chr10-98383254-G-A.
Other names: c.1710C>T (NM_152309.2).
Identifiers: ClinVar variation 1595721 (VCV001595721.10), dbSNP rs754985674, ClinGen allele CA5626184.
Genomic context (GRCh38, chr10:96,623,497, plus strand): 5'-ACACAAAAGTTCAGTTCATATAACACATGGCTTACCTTTCCTGATGCTCTCTGAGGAAAC[G>A]TAGAAATTCCCAGGCCGCTCTTGACTTTTTTCTGCAAAAACTATGAGATAAAGAATATTC-3'
Protein context (NP_689522.2, residues 560-580): EKSQERPGNF[Tyr570=]VSSESIRKGP